The following is an entry in ClinVar:

NM_000548.5(TSC2):c.4539G>A (p.Glu1513=)

Gene: TSC2 (TSC complex subunit 2; plus strand). Cytogenetic location: 16p13.3.
Variant type: single nucleotide variant.
Coding change: c.4539G>A on transcript NM_000548.5 (MANE Select); coding-DNA position 4539, G replaced by A.
Protein change: p.Glu1513=; no amino-acid change (glutamic acid 1513 retained).
Molecular consequence: synonymous variant.
Genome position (GRCh38, 1-based): chr16:2,084,996, G>A. VCF-style: chr16-2084996-G-A. GRCh37 (hg19) VCF-style: chr16-2134997-G-A.
Other names: c.4338G>A, p.Glu1446= (NM_001077183.3); c.4470G>A, p.Glu1490= (NM_001114382.3); c.4230G>A, p.Glu1410= (NM_001318827.2); c.4194G>A, p.Glu1398= (NM_001318829.2); c.3807G>A, p.Glu1269= (NM_001318831.2); c.4371G>A, p.Glu1457= (NM_001318832.2); c.4341G>A, p.Glu1447= (NM_001363528.2); c.4407G>A, p.Glu1469= (NM_001370404.1); and 1 more.
Identifiers: ClinVar variation 755003 (VCV000755003.14), dbSNP rs1322800885, ClinGen allele CA493043423.

ClinVar aggregate classification (germline): Benign/Likely benign. Review status: criteria provided, multiple submitters, no conflicts (2 of 4 stars). 4 submissions from 4 submitters: Benign (1); Likely benign (3). Last evaluated 2025-11-26.

Conditions:
Hereditary cancer-predisposing syndrome. Also called: Tumor predisposition; Hereditary Cancer Syndrome; Neoplastic Syndromes, Hereditary; Hereditary neoplastic syndrome. Identifiers: Orphanet 140162, MedGen C0027672, MeSH D009386, MONDO:0015356.
Tuberous sclerosis syndrome (TSC). Also called: Tuberous sclerosis; Tuberous Sclerosis Complex. Identifiers: Orphanet 805, MedGen C0041341, MONDO:0001734.
Tuberous sclerosis 2 (TSC2). Identifiers: Orphanet 805, MedGen C1860707, MONDO:0013199, OMIM 613254.

Allele frequency attached by ClinVar (database versions not stated): gnomAD exomes below 0.00001; TOPMed 0.00001; gnomAD 0.00002.
gnomAD v4.1: 5 of 1,613,124 alleles (0.00031%); highest among the groups gnomAD compares: African/African-American, 0.0053%; no homozygotes.

Submissions (4):

Labcorp Genetics (formerly Invitae), Labcorp
Classification: Likely benign for Tuberous sclerosis 2. Last evaluated: 2025-11-26. Review status: criteria provided, single submitter. Criteria: Invitae Variant Classification Sherloc (09022015). Collection method: clinical testing. Allele origin: germline.

Myriad Genetics, Inc.
Classification: Benign for Tuberous sclerosis 2. Last evaluated: 2025-06-04. Review status: criteria provided, single submitter. Criteria: Myriad Autosomal Dominant, Autosomal Recessive and X-Linked Classification Criteria (2023). Collection method: clinical testing. Allele origin: unknown.
Comment: This variant is considered benign. This variant is a silent/synonymous amino acid change and it is not expected to impact splicing.

Color Diagnostics, LLC DBA Color Health
Classification: Likely benign for Tuberous sclerosis syndrome. Last evaluated: 2025-05-30. Review status: criteria provided, single submitter. Criteria: ACMG Guidelines, 2015. Collection method: clinical testing. Allele origin: germline.

Ambry Genetics
Classification: Likely benign for Hereditary cancer-predisposing syndrome. Last evaluated: 2022-08-11. Review status: criteria provided, single submitter. Criteria: Ambry Variant Classification Scheme 2023. Collection method: clinical testing. Allele origin: germline.